The following is an entry in ClinVar:

ClinVar aggregate classification (germline): Uncertain significance. Review status: criteria provided, multiple submitters, no conflicts (2 of 4 stars). 2 submissions from 2 submitters: Uncertain significance (2). Last evaluated 2024-10-31.

Conditions:
Hereditary cancer-predisposing syndrome. Also called: Neoplastic Syndromes, Hereditary; Tumor predisposition; Hereditary Cancer Syndrome; Hereditary neoplastic syndrome. Identifiers: Orphanet 140162, MedGen C0027672, MeSH D009386, MONDO:0015356.

Submissions (2):

Ambry Genetics
Classification: Uncertain significance for Hereditary cancer-predisposing syndrome. Last evaluated: 2024-10-31. Review status: criteria provided, single submitter. Criteria: Ambry Variant Classification Scheme 2023. Collection method: clinical testing. Allele origin: germline.
Comment: The p.M1108I variant (also known as c.3324G>T), located in coding exon 21 of the RAD50 gene, results from a G to T substitution at nucleotide position 3324. The methionine at codon 1108 is replaced by isoleucine, an amino acid with highly similar properties. This amino acid position is conserved. In addition, the in silico prediction for this alteration is inconclusive. Since supporting evidence is limited at this time, the clinical significance of this alteration remains unclear.

Labcorp Genetics (formerly Invitae), Labcorp
Classification: Uncertain significance for Hereditary cancer-predisposing syndrome. Last evaluated: 2023-05-21. Review status: criteria provided, single submitter. Criteria: Invitae Variant Classification Sherloc (09022015). Collection method: clinical testing. Allele origin: germline.
Comment: This sequence change replaces methionine, which is neutral and non-polar, with isoleucine, which is neutral and non-polar, at codon 1108 of the RAD50 protein (p.Met1108Ile). This variant is not present in population databases (gnomAD no frequency). This variant has not been reported in the literature in individuals affected with RAD50-related conditions. ClinVar contains an entry for this variant (Variation ID: 1730236). Advanced modeling of protein sequence and biophysical properties (such as structural, functional, and spatial information, amino acid conservation, physicochemical variation, residue mobility, and thermodynamic stability) performed at Invitae indicates that this missense variant is not expected to disrupt RAD50 protein function. In summary, the available evidence is currently insufficient to determine the role of this variant in disease. Therefore, it has been classified as a Variant of Uncertain Significance.

NM_005732.4(RAD50):c.3324G>T (p.Met1108Ile)

Gene: RAD50 (RAD50 double strand break repair protein; plus strand). Cytogenetic location: 5q31.1.
Variant type: single nucleotide variant.
Coding change: c.3324G>T on transcript NM_005732.4 (MANE Select); coding-DNA position 3324, G replaced by T.
Protein change: p.Met1108Ile; replaces methionine 1108 with isoleucine.
Molecular consequence: missense variant.
Genome position (GRCh38, 1-based): chr5:132,618,229, G>T. VCF-style: chr5-132618229-G-T. GRCh37 (hg19) VCF-style: chr5-131953921-G-T.
Other names: short protein forms M1108I.
Identifiers: ClinVar variation 1730236 (VCV001730236.6), dbSNP rs2479388786, ClinGen allele CA360964872.